The following is an entry in ClinVar:

NM_005475.3(SH2B3):c.1298C>G (p.Ser433Trp)

Gene: SH2B3 (SH2B adaptor protein 3; plus strand). Cytogenetic location: 12q24.12.
Variant type: single nucleotide variant.
Coding change: c.1298C>G on transcript NM_005475.3 (MANE Select); coding-DNA position 1298, C replaced by G.
Protein change: p.Ser433Trp; replaces serine 433 with tryptophan.
Molecular consequence: missense variant.
Genome position (GRCh38, 1-based): chr12:111,447,717, C>G. VCF-style: chr12-111447717-C-G. GRCh37 (hg19) VCF-style: chr12-111885521-C-G.
Other names: c.692C>G, p.Ser231Trp (NM_001291424.1); short protein forms S231W, S433W.
Identifiers: ClinVar variation 3953564 (VCV003953564.1).

ClinVar aggregate classification (germline): Uncertain significance (1 of 4 stars; one submission).

Conditions:
Inborn genetic diseases. Identifiers: MedGen C0950123, MeSH D030342.

Submission:

Ambry Genetics
Classification: Uncertain significance for Inborn genetic diseases. Last evaluated: 2025-06-08. Review status: criteria provided, single submitter. Criteria: Ambry Variant Classification Scheme 2023. Collection method: clinical testing. Allele origin: germline.
Comment: The p.S433W variant (also known as c.1298C>G), located in coding exon 6 of the SH2B3 gene, results from a C to G substitution at nucleotide position 1298. The serine at codon 433 is replaced by tryptophan, an amino acid with highly dissimilar properties. This amino acid position is conserved. In addition, this alteration is predicted to be deleterious by in silico analysis. Based on the available evidence, the clinical significance of this variant remains unclear.